The following is an entry in ClinVar:

NM_014915.3(ANKRD26):c.228A>C (p.Arg76Ser)

Gene: ANKRD26 (ankyrin repeat domain 26; minus strand). Cytogenetic location: 10p12.1.
Variant type: single nucleotide variant.
Coding change: c.228A>C on transcript NM_014915.3 (MANE Select); coding-DNA position 228, A replaced by C.
Protein change: p.Arg76Ser; replaces arginine 76 with serine.
Molecular consequence: missense variant.
Genome position (GRCh38, 1-based): chr10:27,100,099, T>G on the plus strand (A>C on the coding strand, the complement: ANKRD26 is on the minus strand). VCF-style: chr10-27100099-T-G. GRCh37 (hg19) VCF-style: chr10-27389028-T-G.
Other names: c.228A>C, p.Arg76Ser (NM_001256053.2); short protein forms R76S.
Identifiers: ClinVar variation 2429660 (VCV002429660.8), dbSNP rs765424230, ClinGen allele CA5449025.
Genomic context (GRCh38, chr10:27,100,099, plus strand): 5'-CCGCCTACTCCAGTGGCACTCAGTCCGGGCTTGCGACGCCTATTACCTGTTCATCTTGTC[T>G]CTATCGTTCAAGCCATTCTTCCTGAGCAAAAGGATCTGCTGCACTTTCGCCACATTACCC-3'
Protein context (NP_055730.2, residues 66-86): LLLRKNGLND[Arg76Ser]DKMNRTALHL

ClinVar aggregate classification (germline): Conflicting classifications of pathogenicity. Review status: criteria provided, conflicting classifications (1 of 4 stars). 4 submissions from 4 submitters: Uncertain significance (2); Benign (1); Likely benign (1). Last evaluated 2025-02-16.

Conditions:
Inborn genetic diseases. Identifiers: MedGen C0950123, MeSH D030342.

Allele frequency attached by ClinVar (database versions not stated): gnomAD 0.00003; gnomAD exomes 0.00003; TOPMed 0.00003; ExAC 0.00004.
gnomAD v4.1: 52 of 1,613,920 alleles (0.0032%); highest among the groups gnomAD compares: Non-Finnish European, 0.00059%; no homozygotes.

Submissions (4):

Laboratory of Genetics, Children's Clinical University Hospital Latvia
Classification: Benign. Last evaluated: 2025-02-16. Review status: criteria provided, single submitter. Criteria: ACMG Guidelines, 2015. Collection method: clinical testing. Allele origin: germline. Affected: yes.

Ambry Genetics
Classification: Uncertain significance for Inborn genetic diseases. Last evaluated: 2024-11-21. Review status: criteria provided, single submitter. Criteria: Ambry Variant Classification Scheme 2023. Collection method: clinical testing. Allele origin: germline.
Comment: The p.R76S variant (also known as c.228A>C), located in coding exon 1 of the ANKRD26 gene, results from an A to C substitution at nucleotide position 228. The arginine at codon 76 is replaced by serine, an amino acid with dissimilar properties. This amino acid position is conserved. In addition, this alteration is predicted to be tolerated by in silico analysis. Based on the available evidence, the clinical significance of this variant remains unclear.

Labcorp Genetics (formerly Invitae), Labcorp
Classification: Likely benign. Last evaluated: 2024-11-19. Review status: criteria provided, single submitter. Criteria: Invitae Variant Classification Sherloc (09022015). Collection method: clinical testing. Allele origin: germline.

GeneDx
Classification: Uncertain significance. Last evaluated: 2024-05-28. Review status: criteria provided, single submitter. Criteria: GeneDx Variant Classification Process June 2021. Collection method: clinical testing. Allele origin: germline. Affected: yes.
Comment: In silico analysis supports that this missense variant has a deleterious effect on protein structure/function; Has not been previously published as pathogenic or benign to our knowledge